The following is an entry in ClinVar:

NM_024334.3(TMEM43):c.26G>A (p.Ser9Asn)

Gene: TMEM43 (transmembrane protein 43; plus strand). Cytogenetic location: 3p25.1.
Variant type: single nucleotide variant.
Coding change: c.26G>A on transcript NM_024334.3 (MANE Select); coding-DNA position 26, G replaced by A.
Protein change: p.Ser9Asn; replaces serine 9 with asparagine.
Molecular consequence: missense variant.
Genome position (GRCh38, 1-based): chr3:14,129,425, G>A. VCF-style: chr3-14129425-G-A. GRCh37 (hg19) VCF-style: chr3-14170925-G-A.
Other names: short protein forms S9N.
Identifiers: ClinVar variation 1463673 (VCV001463673.7), dbSNP rs1695062743, ClinGen allele CA351534182.
Genomic context (GRCh38, chr3:14,129,425, plus strand): 5'-ATTTTTAAAAACTAGTTTTCATTCTGTTACTGTTTCTTTTTCTTCAGTATTCCAGTACCA[G>A]TACCCGGAGAGAACATGTCAAAGTTAAAACCAGCTCCCAGCCAGGCTTCCTGGAACGGCT-3'
Protein context (NP_077310.1, residues 1-19): MAANYSST[Ser9Asn]TRREHVKVKT

ClinVar aggregate classification (germline): Uncertain significance. Review status: criteria provided, multiple submitters, no conflicts (2 of 4 stars). 2 submissions from 2 submitters: Uncertain significance (2). Last evaluated 2025-09-17.

Conditions:
Arrhythmogenic right ventricular dysplasia 5. Also called: ARRHYTHMOGENIC RIGHT VENTRICULAR DYSPLASIA, FAMILIAL, 5; Arrhythmogenic Right Ventricular Dysplasia/Cardiomyopathy 5. Identifiers: MedGen C1858379, MONDO:0011459, OMIM 604400.

Allele frequency attached by ClinVar (database versions not stated): gnomAD 0.00001.

Submissions (2):

Labcorp Genetics (formerly Invitae), Labcorp
Classification: Uncertain significance for Arrhythmogenic right ventricular dysplasia 5. Last evaluated: 2025-09-17. Review status: criteria provided, single submitter. Criteria: Invitae Variant Classification Sherloc (09022015). Collection method: clinical testing. Allele origin: germline.
Comment: This sequence change replaces serine, which is neutral and polar, with asparagine, which is neutral and polar, at codon 9 of the TMEM43 protein (p.Ser9Asn). This variant is not present in population databases (gnomAD no frequency). This variant has not been reported in the literature in individuals affected with TMEM43-related conditions. ClinVar contains an entry for this variant (Variation ID: 1463673). An algorithm developed to predict the effect of missense changes on protein structure and function (PolyPhen-2) suggests that this variant is likely to be tolerated. In summary, the available evidence is currently insufficient to determine the role of this variant in disease. Therefore, it has been classified as a Variant of Uncertain Significance.

All of Us Research Program, National Institutes of Health
Classification: Uncertain significance for Arrhythmogenic right ventricular dysplasia 5. Last evaluated: 2023-12-13. Review status: criteria provided, single submitter. Criteria: ACMG Guidelines, 2015. Collection method: clinical testing. Allele origin: germline. Inheritance: Autosomal dominant inheritance. Observed: 2 variant alleles, 2 heterozygotes.
Comment: This missense variant replaces serine with asparagine at codon 9 of the TMEM43 protein. Computational prediction suggests that this variant may not impact protein structure and function (internally defined REVEL score threshold <= 0.5, PMID: 27666373). To our knowledge, functional studies have not been reported for this variant. This variant has not been reported in individuals affected with TMEM43-related disorders in the literature. This variant has not been identified in the general population by the Genome Aggregation Database (gnomAD). The available evidence is insufficient to determine the role of this variant in disease conclusively. Therefore, this variant is classified as a Variant of Uncertain Significance.

This study involves interpretation of variants in research participants for the purpose of population health screening. Participant phenotype was not available at the time of variant classification. Additional details can be found in publication PMID: 35346344, PMCID: PMC8962531